The following is an entry in ClinVar:

NM_004172.5(SLC1A3):c.85G>T (p.Ala29Ser)

Gene: SLC1A3 (solute carrier family 1 member 3; plus strand). Cytogenetic location: 5p13.2.
Variant type: single nucleotide variant.
Coding change: c.85G>T on transcript NM_004172.5 (MANE Select); coding-DNA position 85, G replaced by T.
Protein change: p.Ala29Ser; replaces alanine 29 with serine.
Molecular consequence: missense variant.
Genome position (GRCh38, 1-based): chr5:36,608,508, G>T. VCF-style: chr5-36608508-G-T. GRCh37 (hg19) VCF-style: chr5-36608610-G-T.
Other names: c.85G>T, p.Ala29Ser (NM_001166695.3, NM_001166696.3, NM_001289939.2 and 1 more transcripts); short protein forms A29S.
Identifiers: ClinVar variation 1961377 (VCV001961377.5), dbSNP rs2477871557, ClinGen allele CA359485680.

ClinVar aggregate classification (germline): Uncertain significance (1 of 4 stars; one submission).

Allele frequency attached by ClinVar (database versions not stated): gnomAD exomes below 0.00001.
gnomAD v4.1: 2 of 1,613,980 alleles (0.00012%); highest among the groups gnomAD compares: Non-Finnish European, 0.00017%; no homozygotes.

Submission:

Labcorp Genetics (formerly Invitae), Labcorp
Classification: Uncertain significance. Last evaluated: 2022-09-19. Review status: criteria provided, single submitter. Criteria: Invitae Variant Classification Sherloc (09022015). Collection method: clinical testing. Allele origin: germline.
Comment: Algorithms developed to predict the effect of missense changes on protein structure and function are either unavailable or do not agree on the potential impact of this missense change (SIFT: "Deleterious"; PolyPhen-2: "Benign"; Align-GVGD: "Class C65"). This sequence change replaces alanine, which is neutral and non-polar, with serine, which is neutral and polar, at codon 29 of the SLC1A3 protein (p.Ala29Ser). This variant is not present in population databases (gnomAD no frequency). This variant has not been reported in the literature in individuals affected with SLC1A3-related conditions. In summary, the available evidence is currently insufficient to determine the role of this variant in disease. Therefore, it has been classified as a Variant of Uncertain Significance.